The following is an entry in ClinVar:

NM_017849.4(TMEM127):c.672T>C (p.Tyr224=)

Gene: TMEM127 (transmembrane protein 127; minus strand). Cytogenetic location: 2q11.2.
Variant type: single nucleotide variant.
Coding change: c.672T>C on transcript NM_017849.4 (MANE Select); coding-DNA position 672, T replaced by C.
Protein change: p.Tyr224=; no amino-acid change (tyrosine 224 retained).
Molecular consequence: synonymous variant.
Genome position (GRCh38, 1-based): chr2:96,253,853, A>G on the plus strand (T>C on the coding strand, the complement: TMEM127 is on the minus strand). VCF-style: chr2-96253853-A-G. GRCh37 (hg19) VCF-style: chr2-96919591-A-G.
Other names: c.672T>C, p.Tyr224= (NM_001193304.3).
Identifiers: ClinVar variation 413245 (VCV000413245.18), dbSNP rs201935270, ClinGen allele CA1777258.

ClinVar aggregate classification (germline): Benign/Likely benign. Review status: criteria provided, multiple submitters, no conflicts (2 of 4 stars). 4 submissions from 4 submitters: Benign (1); Likely benign (3). Last evaluated 2026-07-30.

Conditions:
Hereditary pheochromocytoma and paraganglioma. Also called: Hereditary Paraganglioma-Pheochromocytoma Syndromes; Hereditary paragangliomas and pheochromocytomas; Hereditary pheochromocytoma-paraganglioma. Identifiers: Orphanet 29072, MedGen C4274332, MONDO:0017366.
Hereditary cancer-predisposing syndrome. Also called: Hereditary Cancer Syndrome; Hereditary neoplastic syndrome; Neoplastic Syndromes, Hereditary; Tumor predisposition. Identifiers: Orphanet 140162, MedGen C0027672, MeSH D009386, MONDO:0015356.
TMEM127-related disorder. Also called: TMEM127-related condition.

Allele frequency attached by ClinVar (database versions not stated): ExAC 0.00002; gnomAD 0.00002 and 0.00003; TOPMed 0.00003; gnomAD exomes 0.00002 and 0.00009.
gnomAD v4.1: 138 of 1,613,678 alleles (0.0086%); highest among the groups gnomAD compares: Non-Finnish European, 0.011%; no homozygotes.

Submissions (4):

Myriad Genetics, Inc.
Classification: Benign for Hereditary pheochromocytoma and paraganglioma. Last evaluated: 2026-07-30. Review status: criteria provided, single submitter. Criteria: Myriad Autosomal Dominant, Autosomal Recessive and X-Linked Classification Criteria (2023). Collection method: clinical testing. Allele origin: unknown.
Comment: This variant is considered benign. This variant is a silent/synonymous amino acid change and it is not expected to impact splicing.

PreventionGenetics, part of Exact Sciences
Classification: Likely benign for TMEM127-related condition. Last evaluated: 2026-05-28. Review status: criteria provided, single submitter. Criteria: ACMG Guidelines, 2015. Collection method: clinical testing. Allele origin: germline.
Comment: This variant is classified as likely benign based on ACMG/AMP sequence variant interpretation guidelines (Richards et al. 2015 PMID: 25741868, with internal and published modifications).

Labcorp Genetics (formerly Invitae), Labcorp
Classification: Likely benign for Hereditary pheochromocytoma and paraganglioma. Last evaluated: 2026-01-27. Review status: criteria provided, single submitter. Criteria: Invitae Variant Classification Sherloc (09022015). Collection method: clinical testing. Allele origin: germline.

Ambry Genetics
Classification: Likely benign for Hereditary cancer-predisposing syndrome. Last evaluated: 2015-06-04. Review status: criteria provided, single submitter. Criteria: Ambry Variant Classification Scheme 2023. Collection method: clinical testing. Allele origin: germline.